The following is an entry in ClinVar:

NM_000078.3(CETP):c.1161C>T (p.Thr387=)

Gene: CETP (cholesteryl ester transfer protein; plus strand). Cytogenetic location: 16q13.
Variant type: single nucleotide variant.
Coding change: c.1161C>T on transcript NM_000078.3 (MANE Select); coding-DNA position 1161, C replaced by T.
Protein change: p.Thr387=; no amino-acid change (threonine 387 retained).
Molecular consequence: synonymous variant.
Genome position (GRCh38, 1-based): chr16:56,981,172, C>T. VCF-style: chr16-56981172-C-T. GRCh37 (hg19) VCF-style: chr16-57015084-C-T.
Other names: p.Thr387=; c.981C>T, p.Thr327= (NM_001286085.2).
Identifiers: ClinVar variation 319992 (VCV000319992.18), dbSNP rs7192120, ClinGen allele CA8071256.

ClinVar aggregate classification (germline): Benign/Likely benign. Review status: criteria provided, multiple submitters, no conflicts (2 of 4 stars). 6 submissions from 6 submitters: Benign (3); Likely benign (3). Last evaluated 2025-12-23.

Conditions:
CETP-related disorder. Also called: CETP-related condition.
Hyperalphalipoproteinemia 1 (HALP1). Also called: CETP-Related Hyperalphalipoproteinemia; CETP DEFICIENCY. Identifiers: MedGen C3149462, OMIM 143470.

Allele frequency attached by ClinVar (database versions not stated): 1000 Genomes Project 0.00319; 1000 Genomes Project 30x 0.00328.
gnomAD v4.1: 2,888 of 1,613,300 alleles (0.18%); highest among the groups gnomAD compares: African/African-American, 0.69%; 6 homozygotes.

Submissions (6):

Labcorp Genetics (formerly Invitae), Labcorp
Classification: Benign. Last evaluated: 2025-12-23. Review status: criteria provided, single submitter. Criteria: Invitae Variant Classification Sherloc (09022015). Collection method: clinical testing. Allele origin: germline.

Mayo Clinic Laboratories, Mayo Clinic
Classification: Benign. Last evaluated: 2025-03-25. Review status: criteria provided, single submitter. Criteria: ACMG Guidelines, 2015. Collection method: clinical testing. Allele origin: germline. Observed: 3 variant alleles.
Comment: BS1, BS2, BP4, BP7

PreventionGenetics, part of Exact Sciences
Classification: Likely benign for CETP-related condition. Last evaluated: 2024-12-19. Review status: criteria provided, single submitter. Criteria: ACMG Guidelines, 2015. Collection method: clinical testing. Allele origin: germline.
Comment: This variant is classified as likely benign based on ACMG/AMP sequence variant interpretation guidelines (Richards et al. 2015 PMID: 25741868, with internal and published modifications).

GeneDx
Classification: Likely benign. Last evaluated: 2021-04-22. Review status: criteria provided, single submitter. Criteria: GeneDx Variant Classification Process June 2021. Collection method: clinical testing. Allele origin: germline. Affected: yes.

Illumina Laboratory Services, Illumina
Classification: Benign for Hyperalphalipoproteinemia 1. Last evaluated: 2018-01-13. Review status: criteria provided, single submitter. Criteria: ICSL Variant Classification Criteria 13 December 2019. Collection method: clinical testing. Allele origin: germline.
Comment: This variant was observed in the ICSL laboratory as part of a predisposition screen in an ostensibly healthy population. It had not been previously curated by ICSL or reported in the Human Gene Mutation Database (HGMD: prior to June 1st, 2018), and was therefore a candidate for classification through an automated scoring system. Utilizing variant allele frequency, disease prevalence and penetrance estimates, and inheritance mode, an automated score was calculated to assess if this variant is too frequent to cause the disease. Based on the score and internal cut-off values, a variant classified as benign is not then subjected to further curation. The score for this variant resulted in a classification of benign for this disease.

Breakthrough Genomics
Classification: Likely benign. Review status: criteria provided, single submitter. Criteria: ACMG Guidelines, 2015. Collection method: not provided. Allele origin: germline. Inheritance: Autosomal dominant inheritance. Affected: yes.